The following is an entry in ClinVar:

ClinVar aggregate classification (germline): Uncertain significance (1 of 4 stars; one submission).

Conditions:
Hereditary cancer-predisposing syndrome. Also called: Neoplastic Syndromes, Hereditary; Hereditary Cancer Syndrome; Tumor predisposition; Hereditary neoplastic syndrome. Identifiers: Orphanet 140162, MedGen C0027672, MeSH D009386, MONDO:0015356.

gnomAD v4.1: 1 of 1,614,116 alleles (0.000062%); no homozygotes.

Submission:

Ambry Genetics
Classification: Uncertain significance for Hereditary cancer-predisposing syndrome. Last evaluated: 2023-03-06. Review status: criteria provided, single submitter. Criteria: Ambry Variant Classification Scheme 2023. Collection method: clinical testing. Allele origin: germline.
Comment: The p.F116L variant (also known as c.348T>A), located in coding exon 2 of the TMEM127 gene, results from a T to A substitution at nucleotide position 348. The phenylalanine at codon 116 is replaced by leucine, an amino acid with highly similar properties. This amino acid position is conserved. In addition, this alteration is predicted to be deleterious by in silico analysis. Since supporting evidence is limited at this time, the clinical significance of this alteration remains unclear.

NM_017849.4(TMEM127):c.348T>A (p.Phe116Leu)

Gene: TMEM127 (transmembrane protein 127; minus strand). Cytogenetic location: 2q11.2.
Variant type: single nucleotide variant.
Coding change: c.348T>A on transcript NM_017849.4 (MANE Select); coding-DNA position 348, T replaced by A.
Protein change: p.Phe116Leu; replaces phenylalanine 116 with leucine.
Molecular consequence: missense variant.
Genome position (GRCh38, 1-based): chr2:96,254,894, A>T on the plus strand (T>A on the coding strand, the complement: TMEM127 is on the minus strand). VCF-style: chr2-96254894-A-T. GRCh37 (hg19) VCF-style: chr2-96920632-A-T.
Other names: c.348T>A, p.Phe116Leu (NM_001193304.3); c.96T>A, p.Phe32Leu (NM_001407282.1, NM_001407283.1); short protein forms F116L, F32L.
Identifiers: ClinVar variation 2448390 (VCV002448390.2), dbSNP rs926978443, ClinGen allele CA347653373.